The following is an entry in ClinVar:

ClinVar aggregate classification (germline): Uncertain significance (0 of 4 stars; one submission).

Conditions:
CSMD1-related disorder. Also called: CSMD1-related condition.

Submission:

PreventionGenetics, part of Exact Sciences
Classification: Uncertain significance for CSMD1-related condition. Last evaluated: 2023-11-02. Review status: no assertion criteria provided. Collection method: clinical testing. Allele origin: germline.
Comment: The CSMD1 c.7490T>A variant is predicted to result in the amino acid substitution p.Ile2497Asn. To our knowledge, this variant has not been reported in the literature or in a large population database, indicating this variant is rare. At this time, the clinical significance of this variant is uncertain due to the absence of conclusive functional and genetic evidence.

NM_033225.6(CSMD1):c.7490T>A (p.Ile2497Asn)

Gene: CSMD1 (CUB and Sushi multiple domains 1; minus strand). Cytogenetic location: 8p23.2.
Variant type: single nucleotide variant.
Coding change: c.7490T>A on transcript NM_033225.6 (MANE Select); coding-DNA position 7490, T replaced by A.
Protein change: p.Ile2497Asn; replaces isoleucine 2497 with asparagine.
Molecular consequence: missense variant.
Genome position (GRCh38, 1-based): chr8:3,052,632, A>T on the plus strand (T>A on the coding strand, the complement: CSMD1 is on the minus strand). VCF-style: chr8-3052632-A-T. GRCh37 (hg19) VCF-style: chr8-2910154-A-T.
Other names: short protein forms I2497N.
Identifiers: ClinVar variation 3033789 (VCV003033789.2), dbSNP rs2487493607, ClinGen allele CA369959969.